The following is an entry in ClinVar:

NM_025074.7(FRAS1):c.9853C>T (p.His3285Tyr)

Gene: FRAS1 (Fraser extracellular matrix complex subunit 1; plus strand). Cytogenetic location: 4q21.21.
Variant type: single nucleotide variant.
Coding change: c.9853C>T on transcript NM_025074.7 (MANE Select); coding-DNA position 9853, C replaced by T.
Protein change: p.His3285Tyr; replaces histidine 3285 with tyrosine.
Molecular consequence: missense variant.
Genome position (GRCh38, 1-based): chr4:78,511,346, C>T. VCF-style: chr4-78511346-C-T. GRCh37 (hg19) VCF-style: chr4-79432500-C-T.
Other names: short protein forms H3285Y.
Identifiers: ClinVar variation 702073 (VCV000702073.54), dbSNP rs182196851, ClinGen allele CA2978787.

ClinVar aggregate classification (germline): Benign/Likely benign. Review status: criteria provided, multiple submitters, no conflicts (2 of 4 stars). 3 submissions from 3 submitters: Benign (2); Likely benign (1). Last evaluated 2026-02-04.

Conditions:
Fraser syndrome 1 (FRASRS1). Also called: CRYPTOPHTHALMOS WITH OTHER MALFORMATIONS. Identifiers: Orphanet 2052, MedGen C4551480, MONDO:0054737, OMIM 219000.

Allele frequency attached by ClinVar (database versions not stated): 1000 Genomes Project 30x 0.00078; 1000 Genomes Project 0.00080; TOPMed 0.00174; ESP Exome Variant Server 0.00205; gnomAD exomes 0.00266 and 0.00453; gnomAD 0.00407 and 0.00436; ExAC 0.00429.
gnomAD v4.1: 4,508 of 1,613,704 alleles (0.28%); highest among the groups gnomAD compares: Non-Finnish European, 0.21%; 36 homozygotes.

Submissions (3):

Labcorp Genetics (formerly Invitae), Labcorp
Classification: Benign. Last evaluated: 2026-02-04. Review status: criteria provided, single submitter. Criteria: Invitae Variant Classification Sherloc (09022015). Collection method: clinical testing. Allele origin: germline.

CeGaT Center for Human Genetics Tuebingen
Classification: Likely benign. Last evaluated: 2026-02-01. Review status: criteria provided, single submitter. Criteria: CeGaT Center For Human Genetics Tuebingen Variant Classification Criteria Version 2. Collection method: clinical testing. Allele origin: germline. Affected: yes. Observed: 5 variant alleles.
Comment: FRAS1: BS2

Illumina Laboratory Services, Illumina
Classification: Benign for Fraser syndrome 1. Last evaluated: 2017-04-27. Review status: criteria provided, single submitter. Criteria: ICSL Variant Classification Criteria 13 December 2019. Collection method: clinical testing. Allele origin: germline.
Comment: This variant was observed as part of a predisposition screen in an ostensibly healthy population. A literature search was performed for the gene, cDNA change, and amino acid change (where applicable). No publications were found based on this search. Allele frequency data from public databases was too high to be consistent with this variant causing disease. Therefore, this variant is classified as benign.